The following is an entry in ClinVar:

ClinVar aggregate classification (germline): Conflicting classifications of pathogenicity. Review status: criteria provided, conflicting classifications (1 of 4 stars). 7 submissions from 7 submitters: Uncertain significance (2); Likely benign (5). Last evaluated 2026-09-01.

Conditions:
Usher syndrome type 2C. Also called: Usher syndrome, type 2B; USHER SYNDROME, TYPE IIC. Identifiers: Orphanet 231178, Orphanet 886, MedGen C2931213, MONDO:0011558, OMIM 605472.

Allele frequency attached by ClinVar (database versions not stated): gnomAD 0.00036; ExAC 0.00023; TOPMed 0.00030; gnomAD exomes 0.00023 and 0.00077; ESP Exome Variant Server 0.00025.
gnomAD v4.1: 1,173 of 1,613,564 alleles (0.073%); highest among the groups gnomAD compares: Non-Finnish European, 0.094%; 2 homozygotes.

Submissions (7):

CeGaT Center for Human Genetics Tuebingen
Classification: Likely benign. Last evaluated: 2026-09-01. Review status: criteria provided, single submitter. Criteria: CeGaT Center For Human Genetics Tuebingen Variant Classification Criteria Version 2. Collection method: clinical testing. Allele origin: germline. Affected: yes. Observed: 3 variant alleles.
Comment: ADGRV1: BP4, BP7

Labcorp Genetics (formerly Invitae), Labcorp
Classification: Likely benign. Last evaluated: 2026-01-20. Review status: criteria provided, single submitter. Criteria: Invitae Variant Classification Sherloc (09022015). Collection method: clinical testing. Allele origin: germline.

Blueprint Genetics
Classification: Likely benign. Last evaluated: 2024-04-11. Review status: criteria provided, single submitter. Criteria: ACMG Guidelines, 2015. Collection method: clinical testing. Allele origin: germline.

GeneDx
Classification: Likely benign. Last evaluated: 2020-10-20. Review status: criteria provided, single submitter. Criteria: GeneDx Variant Classification Process June 2021. Collection method: clinical testing. Allele origin: germline. Affected: yes.

Illumina Laboratory Services, Illumina
Classification: Uncertain significance for Usher syndrome type 2C. Last evaluated: 2018-01-13. Review status: criteria provided, single submitter. Criteria: ICSL Variant Classification Criteria 13 December 2019. Collection method: clinical testing. Allele origin: germline.

Eurofins Ntd Llc (ga)
Classification: Uncertain significance. Last evaluated: 2017-10-16. Review status: criteria provided, single submitter. Criteria: EGL Classification Definitions 2015. Collection method: clinical testing. Allele origin: germline. Observed: 3 variant alleles, 3 heterozygotes.

Laboratory for Molecular Medicine, Mass General Brigham Personalized Medicine
Classification: Likely benign. Last evaluated: 2012-05-29. Review status: criteria provided, single submitter. Criteria: LMM Criteria. Collection method: clinical testing. Allele origin: germline. Observed: 4 variant alleles.
Comment: Tyr1344Tyr in Exon 20 of GPR98: This variant is not expected to have clinical si gnificance because it does not alter an amino acid residue, is not located withi n the splice consensus sequence, and has been identified in 0.1% (2/3164) of Afr ican American chromosomes from a broad population by the NHLBI Exome Sequencing Project.

NM_032119.4(ADGRV1):c.4032C>T (p.Tyr1344=)

Gene: ADGRV1 (adhesion G protein-coupled receptor V1; plus strand). Cytogenetic location: 5q14.3.
Variant type: single nucleotide variant.
Coding change: c.4032C>T on transcript NM_032119.4 (MANE Select); coding-DNA position 4032, C replaced by T.
Protein change: p.Tyr1344=; no amino-acid change (tyrosine 1344 retained).
Molecular consequence: synonymous variant. On other transcripts: non-coding transcript variant (1).
Genome position (GRCh38, 1-based): chr5:90,653,606, C>T. VCF-style: chr5-90653606-C-T. GRCh37 (hg19) VCF-style: chr5-89949423-C-T.
Identifiers: ClinVar variation 46322 (VCV000046322.61), dbSNP rs376636949, ClinGen allele CA138118.